The following is an entry in ClinVar:

ClinVar aggregate classification (germline): Uncertain significance. Review status: criteria provided, multiple submitters, no conflicts (2 of 4 stars). 4 submissions from 4 submitters: Uncertain significance (4). Last evaluated 2025-11-18.

Conditions:
EAST syndrome (SESAMES). Also called: SEIZURES, SENSORINEURAL DEAFNESS, ATAXIA, IMPAIRED INTELLECTUAL DEVELOPMENT, AND ELECTROLYTE IMBALANCE. Identifiers: Orphanet 199343, MedGen C2748572, MONDO:0013005, OMIM 612780.
Autosomal recessive nonsyndromic hearing loss 4 (DFNB4). Also called: Enlarged vestibular aqueduct, digenic; FOXI1-Related Pendred Syndrome; KCNJ10-Related Pendred Syndrome; DEAFNESS, AUTOSOMAL RECESSIVE 4, WITH ENLARGED VESTIBULAR AQUEDUCT, DIGENIC; NEUROSENSORY NONSYNDROMIC RECESSIVE DEAFNESS 4; Deafness, autosomal recessive 4. Identifiers: Orphanet 90636, MedGen C3538946, MONDO:0010933, OMIM 600791.
Pendred syndrome (PDS). Also called: Pendred's syndrome; DEAFNESS WITH GOITER; GOITER-DEAFNESS SYNDROME; HYPOTHYROIDISM, CONGENITAL, DUE TO DYSHORMONOGENESIS, 2B; THYROID DYSHORMONOGENESIS 2B; THYROID HORMONOGENESIS, GENETIC DEFECT IN, 2B. Identifiers: Orphanet 705, MedGen C0271829, MONDO:0010134, OMIM 274600.

Allele frequency attached by ClinVar (database versions not stated): gnomAD exomes 0.00001 and 0.00004; ExAC 0.00003; ESP Exome Variant Server 0.00008; TOPMed 0.00009; gnomAD 0.00013; 1000 Genomes Project 30x 0.00016; 1000 Genomes Project 0.00020.
gnomAD v4.1: 42 of 1,613,892 alleles (0.0026%); highest among the groups gnomAD compares: African/African-American, 0.033%; no homozygotes.

Submissions (4):

Labcorp Genetics (formerly Invitae), Labcorp
Classification: Uncertain significance for EAST syndrome. Last evaluated: 2025-11-18. Review status: criteria provided, single submitter. Criteria: Invitae Variant Classification Sherloc (09022015). Collection method: clinical testing. Allele origin: germline.
Comment: This sequence change replaces glutamic acid, which is acidic and polar, with glutamine, which is neutral and polar, at codon 368 of the KCNJ10 protein (p.Glu368Gln). This variant is present in population databases (rs377330985, gnomAD 0.04%). This variant has not been reported in the literature in individuals affected with KCNJ10-related conditions. ClinVar contains an entry for this variant (Variation ID: 470190). Invitae Evidence Modeling of protein sequence and biophysical properties (such as structural, functional, and spatial information, amino acid conservation, physicochemical variation, residue mobility, and thermodynamic stability) indicates that this missense variant is not expected to disrupt KCNJ10 protein function with a negative predictive value of 95%. In summary, the available evidence is currently insufficient to determine the role of this variant in disease. Therefore, it has been classified as a Variant of Uncertain Significance.

GeneDx
Classification: Uncertain significance. Last evaluated: 2022-07-13. Review status: criteria provided, single submitter. Criteria: GeneDx Variant Classification Process June 2021. Collection method: clinical testing. Allele origin: germline. Affected: yes.
Comment: In silico analysis supports that this missense variant does not alter protein structure/function; Has not been previously published as pathogenic or benign to our knowledge

Fulgent Genetics
Classification: Uncertain significance for Pendred syndrome; Autosomal recessive nonsyndromic hearing loss 4; EAST syndrome. Last evaluated: 2022-03-07. Review status: criteria provided, single submitter. Criteria: ACMG Guidelines, 2015. Collection method: clinical testing. Allele origin: unknown.

Breakthrough Genomics
Classification: Uncertain significance. Review status: criteria provided, single submitter. Criteria: ACMG Guidelines, 2015. Collection method: not provided. Allele origin: germline. Inheritance: Autosomal recessive inheritance. Affected: yes.

NM_002241.5(KCNJ10):c.1102G>C (p.Glu368Gln)

Gene: KCNJ10 (potassium inwardly rectifying channel subfamily J member 10; minus strand). Cytogenetic location: 1q23.2.
Variant type: single nucleotide variant.
Coding change: c.1102G>C on transcript NM_002241.5 (MANE Select); coding-DNA position 1102, G replaced by C.
Protein change: p.Glu368Gln; replaces glutamic acid 368 with glutamine.
Molecular consequence: missense variant.
Genome position (GRCh38, 1-based): chr1:160,041,431, C>G on the plus strand (G>C on the coding strand, the complement: KCNJ10 is on the minus strand). VCF-style: chr1-160041431-C-G. GRCh37 (hg19) VCF-style: chr1-160011221-C-G.
Other names: short protein forms E368Q.
Identifiers: ClinVar variation 470190 (VCV000470190.17), dbSNP rs377330985, ClinGen allele CA1193161.
Genomic context (GRCh38, chr1:160,041,431, plus strand): 5'-ATGGGGGAGTGGGAACAGGTCATCAGACATTGCTGATGCGCACACTAAGGGCACTGCCCT[C>G]CTTCTCAGCTTGCTCCCTTAATGACTCCTCCAACTTGAGCTTTTCAGGGTCTCCGTAGCG-3'
Protein context (NP_002232.2, residues 358-378): EESLREQAEK[Glu368Gln]GSALSVRISN